The following is an entry in ClinVar:

NM_001103.4(ACTN2):c.744C>T (p.Tyr248=)

Gene: ACTN2 (actinin alpha 2; plus strand). Cytogenetic location: 1q43.
Variant type: single nucleotide variant.
Coding change: c.744C>T on transcript NM_001103.4 (MANE Select); coding-DNA position 744, C replaced by T.
Protein change: p.Tyr248=; no amino-acid change (tyrosine 248 retained).
Molecular consequence: synonymous variant. On other transcripts: intron variant (1).
Genome position (GRCh38, 1-based): chr1:236,735,681, C>T. VCF-style: chr1-236735681-C-T. GRCh37 (hg19) VCF-style: chr1-236898981-C-T.
Other names: c.744C>T (NM_001103.2); c.9C>T, p.Tyr3= (NM_001278344.2); c.783+1163C>T (NM_001278343.2).
Identifiers: ClinVar variation 417192 (VCV000417192.17), dbSNP rs749565466, ClinGen allele CA1472920.
Genomic context (GRCh38, chr1:236,735,681, plus strand): 5'-TTCTCCCCCTTCAGACATCGTGAACACCCCTAAACCCGATGAAAGAGCCATCATGACGTA[C>T]GTCTCTTGCTTCTACCACGCTTTTGCGGGCGCGGAGCAGGTACTCAACACTTGTCCGTCC-3'
Protein context (NP_001094.1, residues 238-258): PKPDERAIMT[Tyr248=]VSCFYHAFAG

ClinVar aggregate classification (germline): Conflicting classifications of pathogenicity. Review status: criteria provided, conflicting classifications (1 of 4 stars). 5 submissions from 5 submitters: Uncertain significance (1); Benign (1); Likely benign (3). Last evaluated 2026-06-24.

Conditions:
Cardiovascular phenotype. Identifiers: MedGen CN230736.
Dilated cardiomyopathy 1AA (CMD1AA). Also called: Cardiomyopathy, dilated, 1AA, with or without LVNC; CARDIOMYOPATHY, DILATED, 1AA, WITH OR WITHOUT LEFT VENTRICULAR NONCOMPACTION; CARDIOMYOPATHY, FAMILIAL HYPERTROPHIC, 23, WITH OR WITHOUT LEFT VENTRICULAR NONCOMPACTION. Identifiers: Orphanet 154, MedGen C2677338, MONDO:0012808, OMIM 612158.
Primary familial hypertrophic cardiomyopathy (HCM). Identifiers: Orphanet 99739, MedGen C0949658, MeSH D024741, MONDO:0024573. Inheritance: Various modes of inheritance.

Allele frequency attached by ClinVar (database versions not stated): gnomAD 0.00005 and 0.00006; gnomAD exomes 0.00001; TOPMed 0.00008; ExAC 0.00001.
gnomAD v4.1: 21 of 1,614,106 alleles (0.0013%); highest among the groups gnomAD compares: Admixed American, 0.02%; no homozygotes.

Submissions (5):

Ambry Genetics
Classification: Uncertain significance for Cardiovascular phenotype. Last evaluated: 2026-06-24. Review status: criteria provided, single submitter. Criteria: Ambry Variant Classification Scheme 2023. Collection method: clinical testing. Allele origin: germline.
Comment: The c.744C>T variant (also known as p.Y248Y), located in coding exon 8 of the ACTN2 gene, results from a C to T substitution at nucleotide position 744. This nucleotide substitution does not change the tyrosine at codon 248. This nucleotide position is not well conserved in available vertebrate species. In silico splice site analysis for this alteration is inconclusive. Based on the available evidence, the clinical significance of this variant remains unclear.

Labcorp Genetics (formerly Invitae), Labcorp
Classification: Likely benign for Primary familial hypertrophic cardiomyopathy; Dilated cardiomyopathy 1AA. Last evaluated: 2025-06-06. Review status: criteria provided, single submitter. Criteria: Invitae Variant Classification Sherloc (09022015). Collection method: clinical testing. Allele origin: germline.

Blueprint Genetics
Classification: Likely benign. Last evaluated: 2024-03-08. Review status: criteria provided, single submitter. Criteria: ACMG Guidelines, 2015. Collection method: clinical testing. Allele origin: germline.

Women's Health and Genetics/Laboratory Corporation of America, LabCorp
Classification: Likely benign. Last evaluated: 2020-08-30. Review status: criteria provided, single submitter. Criteria: LabCorp Variant Classification Summary - May 2015. Collection method: clinical testing. Allele origin: germline.

Molecular Diagnostic Laboratory for Inherited Cardiovascular Disease, Montreal Heart Institute
Classification: Benign. Last evaluated: 2019-10-18. Review status: criteria provided, single submitter. Criteria: ACMG Guidelines, 2015. Collection method: clinical testing. Allele origin: germline. Affected: yes.